The following is an entry in ClinVar:

NM_015474.4(SAMHD1):c.82G>A (p.Ala28Thr)

Gene: SAMHD1 (SAM and HD domain containing deoxynucleoside triphosphate triphosphohydrolase 1; minus strand). Cytogenetic location: 20q11.23.
Variant type: single nucleotide variant.
Coding change: c.82G>A on transcript NM_015474.4 (MANE Select); coding-DNA position 82, G replaced by A.
Protein change: p.Ala28Thr; replaces alanine 28 with threonine.
Molecular consequence: missense variant.
Genome position (GRCh38, 1-based): chr20:36,951,562, C>T on the plus strand (G>A on the coding strand, the complement: SAMHD1 is on the minus strand). VCF-style: chr20-36951562-C-T. GRCh37 (hg19) VCF-style: chr20-35579965-C-T.
Other names: c.82G>A, p.Ala28Thr (NM_001363729.2, NM_001363733.2); short protein forms A28T.
Identifiers: ClinVar variation 2152688 (VCV002152688.1), dbSNP rs747865444, ClinGen allele CA9844837.

ClinVar aggregate classification (germline): Uncertain significance (1 of 4 stars; one submission).

Conditions:
Aicardi-Goutieres syndrome 5. Identifiers: Orphanet 51, MedGen C2749659, MONDO:0013059, OMIM 612952.

Allele frequency attached by ClinVar (database versions not stated): ExAC 0.00001.
gnomAD v4.1: 15 of 1,614,182 alleles (0.00093%); highest among the groups gnomAD compares: Non-Finnish European, 0.0013%; no homozygotes.

Submission:

Labcorp Genetics (formerly Invitae), Labcorp
Classification: Uncertain significance for Aicardi-Goutieres syndrome 5. Last evaluated: 2022-01-15. Review status: criteria provided, single submitter. Criteria: Invitae Variant Classification Sherloc (09022015). Collection method: clinical testing. Allele origin: germline.
Comment: This sequence change replaces alanine, which is neutral and non-polar, with threonine, which is neutral and polar, at codon 28 of the SAMHD1 protein (p.Ala28Thr). This variant is present in population databases (rs747865444, gnomAD 0.003%). This variant has not been reported in the literature in individuals affected with SAMHD1-related conditions. Algorithms developed to predict the effect of missense changes on protein structure and function output the following: SIFT: "Tolerated"; PolyPhen-2: "Benign"; Align-GVGD: "Class C0". The threonine amino acid residue is found in multiple mammalian species, which suggests that this missense change does not adversely affect protein function. In summary, the available evidence is currently insufficient to determine the role of this variant in disease. Therefore, it has been classified as a Variant of Uncertain Significance.